The following is an entry in ClinVar:

NM_001048174.2(MUTYH):c.1393-3T>C

Gene: MUTYH (mutY DNA glycosylase; minus strand). Cytogenetic location: 1p34.1.
Variant type: single nucleotide variant.
Coding change: c.1393-3T>C on transcript NM_001048174.2 (MANE Select); 3 bases into the intron before coding-DNA position 1393, T replaced by C.
Molecular consequence: intron variant.
Genome position (GRCh38, 1-based): chr1:45,330,560, A>G on the plus strand (T>C on the coding strand, the complement: MUTYH is on the minus strand). VCF-style: chr1-45330560-A-G. GRCh37 (hg19) VCF-style: chr1-45796232-A-G.
Other names: c.1048-3T>C (NM_001350651.2, NM_001350650.2); c.1117-3T>C (NM_001293192.2, NM_001293196.2); c.1393-3T>C (NM_001048171.2, NM_001048173.2, NM_001293195.2); c.1438-3T>C (NM_001293190.2); c.1468-3T>C (NM_012222.3); c.1477-3T>C (NM_001128425.2); c.1396-3T>C (NM_001048172.2); c.1426-3T>C (NM_001293191.2).
Identifiers: ClinVar variation 406837 (VCV000406837.18), dbSNP rs1060501330, ClinGen allele CA16610129.

ClinVar aggregate classification (germline): Conflicting classifications of pathogenicity. Review status: criteria provided, conflicting classifications (1 of 4 stars). 3 submissions from 3 submitters: Uncertain significance (1); Likely benign (2). Last evaluated 2025-11-05.

Conditions:
Hereditary cancer-predisposing syndrome. Also called: Tumor predisposition; Hereditary Cancer Syndrome; Hereditary neoplastic syndrome; Neoplastic Syndromes, Hereditary. Identifiers: Orphanet 140162, MedGen C0027672, MeSH D009386, MONDO:0015356.
Familial adenomatous polyposis 2. Also called: COLORECTAL ADENOMATOUS POLYPOSIS, AUTOSOMAL RECESSIVE; MUTYH Polyposis; MUTYH-associated polyposis; MUTYH-related attenuated familial adenomatous polyposis; Adenomas, multiple colorectal; ADENOMAS, MULTIPLE COLORECTAL, AUTOSOMAL RECESSIVE. Identifiers: Orphanet 220460, Orphanet 247798, MedGen C3272841, MONDO:0012041, OMIM 608456.

Allele frequency attached by ClinVar (database versions not stated): gnomAD exomes below 0.00001.
gnomAD v4.1: 2 of 1,607,572 alleles (0.00012%); highest among the groups gnomAD compares: African/African-American, 0.0013%; no homozygotes.

Submissions (3):

Labcorp Genetics (formerly Invitae), Labcorp
Classification: Likely benign for Familial adenomatous polyposis 2. Last evaluated: 2025-11-05. Review status: criteria provided, single submitter. Criteria: Invitae Variant Classification Sherloc (09022015). Collection method: clinical testing. Allele origin: germline.

Color Diagnostics, LLC DBA Color Health
Classification: Likely benign for Hereditary cancer-predisposing syndrome. Last evaluated: 2025-06-23. Review status: criteria provided, single submitter. Criteria: ACMG Guidelines, 2015. Collection method: clinical testing. Allele origin: germline.

Ambry Genetics
Classification: Uncertain significance for Hereditary cancer-predisposing syndrome. Last evaluated: 2024-08-30. Review status: criteria provided, single submitter. Criteria: Ambry Variant Classification Scheme 2023. Collection method: clinical testing. Allele origin: germline.
Comment: The c.1477-3T>C intronic variant results from a T to C substitution 3 nucleotides upstream from coding exon 15 in the MUTYH gene. This nucleotide position is well conserved in available vertebrate species. In silico splice site analysis predicts that this alteration will not have any significant effect on splicing; however, direct evidence is insufficient at this time (Ambry internal data). Based on the available evidence, the clinical significance of this variant remains unclear.